The following is an entry in ClinVar:

ClinVar aggregate classification (germline): Uncertain significance (1 of 4 stars; one submission).

Submission:

Labcorp Genetics (formerly Invitae), Labcorp
Classification: Uncertain significance. Last evaluated: 2022-06-28. Review status: criteria provided, single submitter. Criteria: Invitae Variant Classification Sherloc (09022015). Collection method: clinical testing. Allele origin: germline.
Comment: Experimental studies and prediction algorithms are not available or were not evaluated, and the effect of this variant on mRNA splicing is currently unknown. This variant has not been reported in the literature in individuals affected with SPEG-related conditions. Information on the frequency of this variant in the gnomAD database is not available, as this variant may be reported differently in the database. This sequence change falls in intron 38 of the SPEG gene. It does not directly change the encoded amino acid sequence of the SPEG protein. In summary, the available evidence is currently insufficient to determine the role of this variant in disease. Therefore, it has been classified as a Variant of Uncertain Significance.

NM_005876.5(SPEG):c.9385+11_9385+12delinsTT

Genes: ASIC4-AS1 (ASIC4 antisense RNA 1; minus strand), SPEG (striated muscle enriched protein kinase; plus strand). Cytogenetic location: 2q35.
Variant type: Indel.
Coding change: c.9385+11_9385+12delinsTT on transcript NM_005876.5 (MANE Select); bases 11 to 12 of the intron after coding-DNA position 9385, CA replaced by TT.
Molecular consequence: intron variant.
Genome position (GRCh38, 1-based): chr2:219,490,967-219,490,968, CA replaced by TT. VCF-style: chr2-219490967-CA-TT. GRCh37 (hg19) VCF-style: chr2-220355689-CA-TT.
Identifiers: ClinVar variation 2011860 (VCV002011860.4), dbSNP rs2546024438, ClinGen allele CA2580065975.